The following is an entry in ClinVar:

NM_147127.5(EVC2):c.778A>T (p.Lys260Ter)

Gene: EVC2 (EvC ciliary complex subunit 2; minus strand). Cytogenetic location: 4p16.2.
Variant type: single nucleotide variant.
Coding change: c.778A>T on transcript NM_147127.5 (MANE Select); coding-DNA position 778, A replaced by T.
Protein change: p.Lys260Ter; replaces lysine 260 with a stop codon.
Molecular consequence: nonsense.
Genome position (GRCh38, 1-based): chr4:5,685,408, T>A on the plus strand (A>T on the coding strand, the complement: EVC2 is on the minus strand). VCF-style: chr4-5685408-T-A. GRCh37 (hg19) VCF-style: chr4-5687135-T-A.
Other names: c.538A>T, p.Lys180Ter (NM_001166136.2); short protein forms K260*, K180*.
Identifiers: ClinVar variation 5006781 (VCV005006781.2).
Genomic context (GRCh38, chr4:5,685,408, plus strand): 5'-ATTAAAGTAACAAAGGTCATACCCGTGACGAGCTCTGAAAGGTGAGTTGGGCAGGAAGCT[T>A]GAGGCTCTCCCCGTTCCCGAGGTCTCCAGCCTGGAGCGTGGCTGCGTAGCTGACAGCAAA-3'

ClinVar aggregate classification (germline): Likely pathogenic (1 of 4 stars; one submission).

Conditions:
Ellis-van Creveld syndrome (EVC). Also called: Chondroectodermal dysplasia; MESOECTODERMAL DYSPLASIA. Identifiers: Orphanet 289, MedGen C0013903, MONDO:0009162, OMIM 225500.
Curry-Hall syndrome (WAD). Also called: WEYERS ACRODENTAL DYSOSTOSIS. Identifiers: Orphanet 952, MedGen C0457013, MONDO:0008673, OMIM 193530.

Submission:

Juno Genomics, Hangzhou Juno Genomics, Inc
Classification: Likely pathogenic for Ellis-van Creveld syndrome; Curry-Hall syndrome. Review status: criteria provided, single submitter. Criteria: ACMG Guidelines, 2015. Collection method: clinical testing. Allele origin: germline.
Comment: Null variant in a gene where loss of function (LOF) is a known mechanism of disease.;Absent from controls (or at extremely low frequency if recessive) in Genome Aggregation Database.